The following is an entry in ClinVar:

NM_007374.3(SIX6):c.265G>A (p.Ala89Thr)

Genes: C14orf39 (chromosome 14 open reading frame 39; minus strand), SIX6 (SIX homeobox 6; plus strand). Cytogenetic location: 14q23.1.
Variant type: single nucleotide variant.
Coding change: c.265G>A on transcript NM_007374.3 (MANE Select); coding-DNA position 265, G replaced by A.
Protein change: p.Ala89Thr; replaces alanine 89 with threonine.
Molecular consequence: missense variant.
Genome position (GRCh38, 1-based): chr14:60,509,663, G>A. VCF-style: chr14-60509663-G-A. GRCh37 (hg19) VCF-style: chr14-60976381-G-A.
Other names: c.265G>A (NM_007374.2); short protein forms A89T.
Identifiers: ClinVar variation 1923574 (VCV001923574.7), dbSNP rs1459844362, ClinGen allele CA390086614.

ClinVar aggregate classification (germline): Uncertain significance. Review status: criteria provided, multiple submitters, no conflicts (2 of 4 stars). 2 submissions from 2 submitters: Uncertain significance (2). Last evaluated 2023-07-17.

Allele frequency attached by ClinVar (database versions not stated): gnomAD exomes below 0.00001; gnomAD 0.00001; TOPMed 0.00001.
gnomAD v4.1: 5 of 1,613,904 alleles (0.00031%); highest among the groups gnomAD compares: African/African-American, 0.0053%; no homozygotes.

Submissions (2):

Labcorp Genetics (formerly Invitae), Labcorp
Classification: Uncertain significance. Last evaluated: 2023-07-17. Review status: criteria provided, single submitter. Criteria: Invitae Variant Classification Sherloc (09022015). Collection method: clinical testing. Allele origin: germline.
Comment: This sequence change replaces alanine, which is neutral and non-polar, with threonine, which is neutral and polar, at codon 89 of the SIX6 protein (p.Ala89Thr). In summary, the available evidence is currently insufficient to determine the role of this variant in disease. Therefore, it has been classified as a Variant of Uncertain Significance. Advanced modeling of protein sequence and biophysical properties (such as structural, functional, and spatial information, amino acid conservation, physicochemical variation, residue mobility, and thermodynamic stability) performed at Invitae indicates that this missense variant is not expected to disrupt SIX6 protein function. ClinVar contains an entry for this variant (Variation ID: 1923574). This variant has not been reported in the literature in individuals affected with SIX6-related conditions. This variant is not present in population databases (gnomAD no frequency).

Ambry Genetics
Classification: Uncertain significance. Last evaluated: 2023-02-09. Review status: criteria provided, single submitter. Criteria: Ambry Variant Classification Scheme 2023. Collection method: clinical testing. Allele origin: germline.